The following is an entry in ClinVar:

ClinVar aggregate classification (germline): Uncertain significance. Review status: criteria provided, multiple submitters, no conflicts (2 of 4 stars). 2 submissions from 2 submitters: Uncertain significance (2). Last evaluated 2025-10-28.

Conditions:
Hereditary cancer-predisposing syndrome. Also called: Neoplastic Syndromes, Hereditary; Hereditary Cancer Syndrome; Hereditary neoplastic syndrome; Tumor predisposition. Identifiers: Orphanet 140162, MedGen C0027672, MeSH D009386, MONDO:0015356.
DICER1-related tumor predisposition. Also called: DICER1 syndrome; DICER1-related pleuropulmonary blastoma cancer predisposition syndrome. Identifiers: Orphanet 284343, MedGen C3839822, MONDO:0100216.

Submissions (2):

Ambry Genetics
Classification: Uncertain significance for Hereditary cancer-predisposing syndrome. Last evaluated: 2025-10-28. Review status: criteria provided, single submitter. Criteria: Ambry Variant Classification Scheme 2023. Collection method: clinical testing. Allele origin: germline.
Comment: The p.L1659P variant (also known as c.4976T>C), located in coding exon 22 of the DICER1 gene, results from a T to C substitution at nucleotide position 4976. The leucine at codon 1659 is replaced by proline, an amino acid with similar properties. This amino acid position is conserved. In addition, this alteration is predicted to be deleterious by in silico analysis. Based on the available evidence, the clinical significance of this variant remains unclear.

Labcorp Genetics (formerly Invitae), Labcorp
Classification: Uncertain significance for DICER1-related tumor predisposition. Last evaluated: 2024-10-06. Review status: criteria provided, single submitter. Criteria: Invitae Variant Classification Sherloc (09022015). Collection method: clinical testing. Allele origin: germline.
Comment: This sequence change replaces leucine, which is neutral and non-polar, with proline, which is neutral and non-polar, at codon 1659 of the DICER1 protein (p.Leu1659Pro). This variant is not present in population databases (gnomAD no frequency). This variant has not been reported in the literature in individuals affected with DICER1-related conditions. Invitae Evidence Modeling of protein sequence and biophysical properties (such as structural, functional, and spatial information, amino acid conservation, physicochemical variation, residue mobility, and thermodynamic stability) indicates that this missense variant is expected to disrupt DICER1 protein function with a positive predictive value of 95%. In summary, the available evidence is currently insufficient to determine the role of this variant in disease. Therefore, it has been classified as a Variant of Uncertain Significance.

NM_177438.3(DICER1):c.4976T>C (p.Leu1659Pro)

Gene: DICER1 (dicer 1, ribonuclease III; minus strand). Cytogenetic location: 14q32.13.
Variant type: single nucleotide variant.
Coding change: c.4976T>C on transcript NM_177438.3 (MANE Select); coding-DNA position 4976, T replaced by C.
Protein change: p.Leu1659Pro; replaces leucine 1659 with proline.
Molecular consequence: missense variant. On other transcripts: non-coding transcript variant (6).
Genome position (GRCh38, 1-based): chr14:95,095,944, A>G on the plus strand (T>C on the coding strand, the complement: DICER1 is on the minus strand). VCF-style: chr14-95095944-A-G. GRCh37 (hg19) VCF-style: chr14-95562281-A-G.
Other names: c.4976T>C, p.Leu1659Pro (NM_001195573.1, NM_001271282.3, NM_001291628.2 and 12 more transcripts); c.4694T>C, p.Leu1565Pro (NM_001395686.1); c.4571T>C, p.Leu1524Pro (NM_001395687.1, NM_001395688.1, NM_001395689.1 and 2 more transcripts); c.4409T>C, p.Leu1470Pro (NM_001395691.1); c.3293T>C, p.Leu1098Pro (NM_001395697.1); short protein forms L1524P, L1565P, L1659P, L1098P, L1470P.
Identifiers: ClinVar variation 3720190 (VCV003720190.3).
Genomic context (GRCh38, chr14:95,095,944, plus strand): 5'-TTCTTGAATCTGTAGTTGATTTTCTTTTCAAAATTTTCAAACCCCGATATAAGGTGATTC[A>G]GTGTTTTATCTGCATCTGGATGATCAAACATACATCTTGGTGGAATCTTCAAACAACCAT-3'
Protein context (NP_803187.1, residues 1649-1669): MFDHPDADKT[Leu1659Pro]NHLISGFENF